The following is an entry in ClinVar:

ClinVar aggregate classification (germline): Uncertain significance (1 of 4 stars; one submission).

gnomAD v4.1: 9 of 1,613,968 alleles (0.00056%); highest among the groups gnomAD compares: East Asian, 0.0045%; no homozygotes.

Submission:

GeneDx
Classification: Uncertain significance. Last evaluated: 2023-09-21. Review status: criteria provided, single submitter. Criteria: GeneDx Variant Classification Process June 2021. Collection method: clinical testing. Allele origin: germline. Affected: yes.
Comment: In silico analysis supports that this missense variant has a deleterious effect on protein structure/function; Not observed at significant frequency in large population cohorts (gnomAD); This variant is associated with the following publications: (PMID: 33473337)

NM_002633.3(PGM1):c.997C>T (p.Arg333Trp)

Gene: PGM1 (phosphoglucomutase 1; plus strand). Cytogenetic location: 1p31.3.
Variant type: single nucleotide variant.
Coding change: c.997C>T on transcript NM_002633.3 (MANE Select); coding-DNA position 997, C replaced by T.
Protein change: p.Arg333Trp; replaces arginine 333 with tryptophan.
Molecular consequence: missense variant.
Genome position (GRCh38, 1-based): chr1:63,636,357, C>T. VCF-style: chr1-63636357-C-T. GRCh37 (hg19) VCF-style: chr1-64102028-C-T.
Other names: c.1051C>T, p.Arg351Trp (NM_001172818.1); c.406C>T, p.Arg136Trp (NM_001172819.2); short protein forms R136W, R333W, R351W.
Identifiers: ClinVar variation 3342302 (VCV003342302.1).